The following is an entry in ClinVar:

NM_198994.3(TGM6):c.851-9G>T

Gene: TGM6 (transglutaminase 6; plus strand). Cytogenetic location: 20p13.
Variant type: single nucleotide variant.
Coding change: c.851-9G>T on transcript NM_198994.3 (MANE Select); 9 bases into the intron before coding-DNA position 851, G replaced by T.
Molecular consequence: intron variant.
Genome position (GRCh38, 1-based): chr20:2,400,297, G>T. VCF-style: chr20-2400297-G-T. GRCh37 (hg19) VCF-style: chr20-2380943-G-T.
Other names: c.851-9G>T (NM_001254734.2).
Identifiers: ClinVar variation 2870614 (VCV002870614.3), dbSNP rs2084697662, ClinGen allele CA2346090586.

ClinVar aggregate classification (germline): Uncertain significance (1 of 4 stars; one submission).

Allele frequency attached by ClinVar (database versions not stated): TOPMed 0.00001.

Submission:

Labcorp Genetics (formerly Invitae), Labcorp
Classification: Uncertain significance. Last evaluated: 2022-11-12. Review status: criteria provided, single submitter. Criteria: Invitae Variant Classification Sherloc (09022015). Collection method: clinical testing. Allele origin: germline.
Comment: This variant is not present in population databases (gnomAD no frequency). This variant has not been reported in the literature in individuals affected with TGM6-related conditions. Algorithms developed to predict the effect of sequence changes on RNA splicing suggest that this variant may create or strengthen a splice site. In summary, the available evidence is currently insufficient to determine the role of this variant in disease. Therefore, it has been classified as a Variant of Uncertain Significance. This sequence change falls in intron 6 of the TGM6 gene. It does not directly change the encoded amino acid sequence of the TGM6 protein.